The following is an entry in ClinVar:

ClinVar aggregate classification (germline): Uncertain significance (1 of 4 stars; one submission).

Allele frequency attached by ClinVar (database versions not stated): ExAC 0.00001; gnomAD 0.00001.
gnomAD v4.1: 1 of 1,613,544 alleles (0.000062%); highest among the groups gnomAD compares: Non-Finnish European, 0.000085%; no homozygotes.

Submission:

Labcorp Genetics (formerly Invitae), Labcorp
Classification: Uncertain significance. Last evaluated: 2022-10-07. Review status: criteria provided, single submitter. Criteria: Invitae Variant Classification Sherloc (09022015). Collection method: clinical testing. Allele origin: germline.
Comment: This sequence change replaces aspartic acid, which is acidic and polar, with valine, which is neutral and non-polar, at codon 2155 of the RP1 protein (p.Asp2155Val). This variant is not present in population databases (gnomAD no frequency). This variant has not been reported in the literature in individuals affected with RP1-related conditions. Algorithms developed to predict the effect of missense changes on protein structure and function are either unavailable or do not agree on the potential impact of this missense change (SIFT: "Deleterious"; PolyPhen-2: "Possibly Damaging"; Align-GVGD: "Class C0"). In summary, the available evidence is currently insufficient to determine the role of this variant in disease. Therefore, it has been classified as a Variant of Uncertain Significance.

NM_006269.2(RP1):c.6464A>T (p.Asp2155Val)

Gene: RP1 (RP1 axonemal microtubule associated; plus strand). Cytogenetic location: 8q12.1.
Variant type: single nucleotide variant.
Coding change: c.6464A>T on transcript NM_006269.2 (MANE Select); coding-DNA position 6464, A replaced by T.
Protein change: p.Asp2155Val; replaces aspartic acid 2155 with valine.
Molecular consequence: missense variant. On other transcripts: intron variant (1).
Genome position (GRCh38, 1-based): chr8:54,630,346, A>T. VCF-style: chr8-54630346-A-T. GRCh37 (hg19) VCF-style: chr8-55542906-A-T.
Other names: c.787+8058A>T (NM_001375654.1); short protein forms D2155V.
Identifiers: ClinVar variation 1721119 (VCV001721119.5), dbSNP rs774950369, ClinGen allele CA4752242.